The following is an entry in ClinVar:

ClinVar aggregate classification (germline): Likely pathogenic (1 of 4 stars; one submission).

Conditions:
Dilated cardiomyopathy 1G (CMD1G). Identifiers: Orphanet 154, MedGen C1858763, MONDO:0011400, OMIM 604145.
Autosomal recessive limb-girdle muscular dystrophy type 2J (LGMDR10). Also called: Limb-girdle muscular dystrophy, type 2J; MUSCULAR DYSTROPHY, LIMB-GIRDLE, AUTOSOMAL RECESSIVE 10. Identifiers: Orphanet 140922, MedGen C1837342, MONDO:0012127, OMIM 608807.

Submission:

Labcorp Genetics (formerly Invitae), Labcorp
Classification: Likely pathogenic for Dilated cardiomyopathy 1G; Autosomal recessive limb-girdle muscular dystrophy type 2J. Last evaluated: 2024-10-18. Review status: criteria provided, single submitter. Criteria: Invitae Variant Classification Sherloc (09022015). Collection method: clinical testing. Allele origin: germline.
Comment: This sequence change affects a donor splice site in intron 32 of the TTN gene. It is expected to disrupt RNA splicing and likely results in a truncated or disrupted TTN protein. This variant is not present in population databases (gnomAD no frequency). This variant has not been reported in the literature in individuals affected with TTN-related conditions. ClinVar contains an entry for this variant (Variation ID: 1002151). Algorithms developed to predict the effect of sequence changes on RNA splicing suggest that this variant may disrupt the consensus splice site. This variant is located in the I band of TTN (PMID: 25589632). Truncating variants in this region have been reported in individuals affected with autosomal recessive centronuclear myopathy (PMID: 23975875, internal data). Truncating variants in this region have also been identified in individuals affected with autosomal dominant dilated cardiomyopathy and/or cardio-related conditions (PMID: 27869827, 32964742, internal data). In summary, the currently available evidence indicates that the variant is pathogenic, but additional data are needed to prove that conclusively. Therefore, this variant has been classified as Likely Pathogenic.

Literature cited by the submitters: PubMed 25589632; PubMed 23975875; PubMed 27869827; PubMed 32964742.

NM_001267550.2(TTN):c.7594+2T>A

Gene: TTN (titin; minus strand). Cytogenetic location: 2q31.2.
Variant type: single nucleotide variant.
Coding change: c.7594+2T>A on transcript NM_001267550.2 (MANE Select); the canonical splice donor site of the intron after coding-DNA position 7594, T replaced by A.
Molecular consequence: splice donor variant.
Genome position (GRCh38, 1-based): chr2:178,773,460, A>T on the plus strand (T>A on the coding strand, the complement: TTN is on the minus strand). VCF-style: chr2-178773460-A-T. GRCh37 (hg19) VCF-style: chr2-179638187-A-T.
Other names: c.7456+2T>A (NM_003319.4, NM_133437.4, NM_133432.3); c.7594+2T>A (NM_133378.4, NM_001256850.1, NM_133379.5).
Identifiers: ClinVar variation 1002151 (VCV001002151.9), dbSNP rs2091827779, ClinGen allele CA349679755.